The following is an entry in ClinVar:

NM_183381.3(RNF13):c.830C>A (p.Thr277Asn)

Gene: RNF13 (ring finger protein 13; plus strand). Cytogenetic location: 3q25.1.
Variant type: single nucleotide variant.
Coding change: c.830C>A on transcript NM_183381.3 (MANE Select); coding-DNA position 830, C replaced by A.
Protein change: p.Thr277Asn; replaces threonine 277 with asparagine.
Molecular consequence: missense variant. On other transcripts: non-coding transcript variant (1).
Genome position (GRCh38, 1-based): chr3:149,960,788, C>A. VCF-style: chr3-149960788-C-A. GRCh37 (hg19) VCF-style: chr3-149678575-C-A.
Other names: c.830C>A, p.Thr277Asn (NM_001378285.1, NM_001378286.1, NM_007282.4); c.473C>A, p.Thr158Asn (NM_001378287.1, NM_001378288.1, NM_001378289.1 and 2 more transcripts); c.437C>A, p.Thr146Asn (NM_001378291.1); short protein forms T146N, T158N, T277N.
Identifiers: ClinVar variation 1511145 (VCV001511145.6), dbSNP rs1280443516, ClinGen allele CA354935532.

ClinVar aggregate classification (germline): Uncertain significance (1 of 4 stars; one submission).

Allele frequency attached by ClinVar (database versions not stated): gnomAD exomes below 0.00001; gnomAD 0.00001.
gnomAD v4.1: 6 of 1,613,730 alleles (0.00037%); highest among the groups gnomAD compares: Non-Finnish European, 0.00051%; no homozygotes.

Submission:

Labcorp Genetics (formerly Invitae), Labcorp
Classification: Uncertain significance. Last evaluated: 2026-02-03. Review status: criteria provided, single submitter. Criteria: Invitae Variant Classification Sherloc (09022015). Collection method: clinical testing. Allele origin: germline.
Comment: This sequence change replaces threonine, which is neutral and polar, with asparagine, which is neutral and polar, at codon 277 of the RNF13 protein (p.Thr277Asn). This variant is present in population databases (no rsID available, gnomAD 0.0009%). This variant has not been reported in the literature in individuals affected with RNF13-related conditions. ClinVar contains an entry for this variant (Variation ID: 1511145). Invitae Evidence Modeling of protein sequence and biophysical properties (such as structural, functional, and spatial information, amino acid conservation, physicochemical variation, residue mobility, and thermodynamic stability) indicates that this missense variant is not expected to disrupt RNF13 protein function with a negative predictive value of 80%. In summary, the available evidence is currently insufficient to determine the role of this variant in disease. Therefore, it has been classified as a Variant of Uncertain Significance.